The following is an entry in ClinVar:

ClinVar aggregate classification (germline): Uncertain significance. Review status: criteria provided, multiple submitters, no conflicts (2 of 4 stars). 2 submissions from 2 submitters: Uncertain significance (2). Last evaluated 2024-03-02.

Submissions (2):

Labcorp Genetics (formerly Invitae), Labcorp
Classification: Uncertain significance. Last evaluated: 2024-03-02. Review status: criteria provided, single submitter. Criteria: Invitae Variant Classification Sherloc (09022015). Collection method: clinical testing. Allele origin: germline.
Comment: This sequence change replaces serine, which is neutral and polar, with asparagine, which is neutral and polar, at codon 1210 of the SMARCA2 protein (p.Ser1210Asn). This variant is not present in population databases (gnomAD no frequency). This variant has not been reported in the literature in individuals affected with SMARCA2-related conditions. Advanced modeling of protein sequence and biophysical properties (such as structural, functional, and spatial information, amino acid conservation, physicochemical variation, residue mobility, and thermodynamic stability) performed at Invitae indicates that this missense variant is not expected to disrupt SMARCA2 protein function with a negative predictive value of 80%. In summary, the available evidence is currently insufficient to determine the role of this variant in disease. Therefore, it has been classified as a Variant of Uncertain Significance.

GeneDx
Classification: Uncertain significance. Last evaluated: 2024-02-21. Review status: criteria provided, single submitter. Criteria: GeneDx Variant Classification Process June 2021. Collection method: clinical testing. Allele origin: germline. Affected: yes.
Comment: Not observed at significant frequency in large population cohorts (gnomAD); In silico analysis supports that this missense variant does not alter protein structure/function; Has not been previously published as pathogenic or benign to our knowledge

NM_003070.5(SMARCA2):c.3629G>A (p.Ser1210Asn)

Gene: SMARCA2 (SWI/SNF related BAF chromatin remodeling complex subunit ATPase 2; plus strand). Cytogenetic location: 9p24.3.
Variant type: single nucleotide variant.
Coding change: c.3629G>A on transcript NM_003070.5 (MANE Select); coding-DNA position 3629, G replaced by A.
Protein change: p.Ser1210Asn; replaces serine 1210 with asparagine.
Molecular consequence: missense variant.
Genome position (GRCh38, 1-based): chr9:2,115,994, G>A. VCF-style: chr9-2115994-G-A. GRCh37 (hg19) VCF-style: chr9-2115994-G-A.
Other names: c.3629G>A, p.Ser1210Asn (NM_001289396.2, NM_139045.4); c.3455G>A, p.Ser1152Asn (NM_001289397.2); short protein forms S1152N, S1210N.
Identifiers: ClinVar variation 3369420 (VCV003369420.3).